The following is an entry in ClinVar:

NM_138459.5(NUS1):c.95C>T (p.Thr32Ile)

Gene: NUS1 (NUS1 dehydrodolichyl diphosphate synthase subunit; plus strand). Cytogenetic location: 6q22.1.
Variant type: single nucleotide variant.
Coding change: c.95C>T on transcript NM_138459.5 (MANE Select); coding-DNA position 95, C replaced by T.
Protein change: p.Thr32Ile; replaces threonine 32 with isoleucine.
Molecular consequence: missense variant.
Genome position (GRCh38, 1-based): chr6:117,675,765, C>T. VCF-style: chr6-117675765-C-T. GRCh37 (hg19) VCF-style: chr6-117996928-C-T.
Other names: short protein forms T32I.
Identifiers: ClinVar variation 1974238 (VCV001974238.5), dbSNP rs2481982603, ClinGen allele CA365535884.

ClinVar aggregate classification (germline): Uncertain significance (1 of 4 stars; one submission).

Conditions:
Congenital disorder of glycosylation, type Iaa. Also called: Congenital disorder of glycosylation, type 1aa. Identifiers: MedGen C4310727, MONDO:0014904, OMIM 617082.

gnomAD v4.1: 23 of 1,558,190 alleles (0.0015%); highest among the groups gnomAD compares: Non-Finnish European, 0.0019%; no homozygotes.

Submission:

Labcorp Genetics (formerly Invitae), Labcorp
Classification: Uncertain significance for Congenital disorder of glycosylation, type Iaa. Last evaluated: 2022-11-15. Review status: criteria provided, single submitter. Criteria: Invitae Variant Classification Sherloc (09022015). Collection method: clinical testing. Allele origin: germline.
Comment: In summary, the available evidence is currently insufficient to determine the role of this variant in disease. Therefore, it has been classified as a Variant of Uncertain Significance. Algorithms developed to predict the effect of missense changes on protein structure and function (SIFT, PolyPhen-2, Align-GVGD) all suggest that this variant is likely to be tolerated. This variant has not been reported in the literature in individuals affected with NUS1-related conditions. This variant is not present in population databases (gnomAD no frequency). This sequence change replaces threonine, which is neutral and polar, with isoleucine, which is neutral and non-polar, at codon 32 of the NUS1 protein (p.Thr32Ile).